The following is an entry in ClinVar:

ClinVar aggregate classification (germline): Likely benign (1 of 4 stars; one submission).

Allele frequency attached by ClinVar (database versions not stated): gnomAD 0.00023.
gnomAD v4.1: 8 of 35,456 alleles (0.023%); highest among the groups gnomAD compares: East Asian, 0.68%; 3 homozygotes.

Submission:

CeGaT Center for Human Genetics Tuebingen
Classification: Likely benign. Last evaluated: 2023-01-01. Review status: criteria provided, single submitter. Criteria: CeGaT Center For Human Genetics Tuebingen Variant Classification Criteria Version 2. Collection method: clinical testing. Allele origin: germline. Affected: yes. Observed: 1 variant allele.
Comment: TPPP: BS2

NM_007030.3(TPPP):c.312-1923C>G

Genes: CEP72 (centrosomal protein 72), TPPP (tubulin polymerization promoting protein; minus strand). Cytogenetic location: 5p15.33.
Variant type: single nucleotide variant.
Coding change: c.312-1923C>G on transcript NM_007030.3 (MANE Select); 1923 bases into the intron before coding-DNA position 312, C replaced by G.
Molecular consequence: intron variant. On other transcripts: non-coding transcript variant (1).
Genome position (GRCh38, 1-based): chr5:668,046, G>C on the plus strand (C>G on the coding strand, the complement: TPPP is on the minus strand). VCF-style: chr5-668046-G-C. GRCh37 (hg19) VCF-style: chr5-668161-G-C.
Identifiers: ClinVar variation 2655250 (VCV002655250.24), dbSNP rs1343684883, ClinGen allele CA557398406.